The following is an entry in ClinVar:

ClinVar aggregate classification (germline): Uncertain significance (1 of 4 stars; one submission).

gnomAD v4.1: 13 of 1,586,108 alleles (0.00082%); highest among the groups gnomAD compares: Admixed American, 0.02%; no homozygotes.

Submission:

Labcorp Genetics (formerly Invitae), Labcorp
Classification: Uncertain significance. Last evaluated: 2021-08-31. Review status: criteria provided, single submitter. Criteria: Invitae Variant Classification Sherloc (09022015). Collection method: clinical testing. Allele origin: germline.
Comment: This sequence change replaces aspartic acid with glutamic acid at codon 626 of the C6 protein (p.Asp626Glu). The aspartic acid residue is highly conserved and there is a small physicochemical difference between aspartic acid and glutamic acid. This variant is present in population databases (rs751514430, ExAC 0.02%). This variant has not been reported in the literature in individuals affected with C6-related conditions. Algorithms developed to predict the effect of missense changes on protein structure and function (SIFT, PolyPhen-2, Align-GVGD) all suggest that this variant is likely to be tolerated. In summary, the available evidence is currently insufficient to determine the role of this variant in disease. Therefore, it has been classified as a Variant of Uncertain Significance.

NM_000065.5(C6):c.1878T>G (p.Asp626Glu)

Gene: C6 (complement C6; minus strand). Cytogenetic location: 5p13.1.
Variant type: single nucleotide variant.
Coding change: c.1878T>G on transcript NM_000065.5 (MANE Select); coding-DNA position 1878, T replaced by G.
Protein change: p.Asp626Glu; replaces aspartic acid 626 with glutamic acid.
Molecular consequence: missense variant.
Genome position (GRCh38, 1-based): chr5:41,158,764, A>C on the plus strand (T>G on the coding strand, the complement: C6 is on the minus strand). VCF-style: chr5-41158764-A-C. GRCh37 (hg19) VCF-style: chr5-41158866-A-C.
Other names: c.1878T>G, p.Asp626Glu (NM_001115131.4); short protein forms D626E.
Identifiers: ClinVar variation 1914457 (VCV001914457.2), dbSNP rs751514430, ClinGen allele CA3252288.
Genomic context (GRCh38, chr5:41,158,764, plus strand): 5'-CTGAGGACACCCGGAATCTGCTTCTATCTCAGGAAGATCGACCTCTTTCATTTCTTCGTC[A>C]TCATTGATACATGGTTGTCCACTAAAAGGGAAACATAAATATGTGTGTATATGTATGTAT-3'
Protein context (NP_000056.2, residues 616-636): MENNGQPCIN[Asp626Glu]DEEMKEVDLP